The following is an entry in ClinVar:

NM_014714.4(IFT140):c.1042G>C (p.Val348Leu)

Genes: IFT140 (intraflagellar transport 140; minus strand), LOC105371046 (uncharacterized LOC105371046; plus strand). Cytogenetic location: 16p13.3.
Variant type: single nucleotide variant.
Coding change: c.1042G>C on transcript NM_014714.4 (MANE Select); coding-DNA position 1042, G replaced by C.
Protein change: p.Val348Leu; replaces valine 348 with leucine.
Molecular consequence: missense variant.
Genome position (GRCh38, 1-based): chr16:1,586,243, C>G on the plus strand (G>C on the coding strand, the complement: IFT140 is on the minus strand). VCF-style: chr16-1586243-C-G. GRCh37 (hg19) VCF-style: chr16-1636244-C-G.
Other names: short protein forms V348L.
Identifiers: ClinVar variation 3689878 (VCV003689878.2).

ClinVar aggregate classification (germline): Uncertain significance (1 of 4 stars; one submission).

Conditions:
Saldino-Mainzer syndrome (SRTD9). Also called: CONORENAL SYNDROME; Renal dysplasia, retinal pigmentary dystrophy, cerebellar ataxia and skeletal dysplasia; SHORT-RIB THORACIC DYSPLASIA 9 WITHOUT POLYDACTYLY; short-rib thoracic dysplasia 9 with or without polydactyly. Identifiers: Orphanet 140969, MedGen C1849437, MONDO:0009964, OMIM 266920.

Submission:

Labcorp Genetics (formerly Invitae), Labcorp
Classification: Uncertain significance for Saldino-Mainzer syndrome. Last evaluated: 2025-03-17. Review status: criteria provided, single submitter. Criteria: Invitae Variant Classification Sherloc (09022015). Collection method: clinical testing. Allele origin: germline.
Comment: This sequence change replaces valine, which is neutral and non-polar, with leucine, which is neutral and non-polar, at codon 348 of the IFT140 protein (p.Val348Leu). This variant is not present in population databases (gnomAD no frequency). This variant has not been reported in the literature in individuals affected with IFT140-related conditions. Invitae Evidence Modeling of protein sequence and biophysical properties (such as structural, functional, and spatial information, amino acid conservation, physicochemical variation, residue mobility, and thermodynamic stability) indicates that this missense variant is not expected to disrupt IFT140 protein function with a negative predictive value of 95%. In summary, the available evidence is currently insufficient to determine the role of this variant in disease. Therefore, it has been classified as a Variant of Uncertain Significance.